The following is an entry in ClinVar:

ClinVar aggregate classification (germline): Uncertain significance (1 of 4 stars; one submission).

Conditions:
Autosomal dominant limb-girdle muscular dystrophy type 1F (LGMDD2). Also called: Limb-girdle muscular dystrophy, type 1F; MUSCULAR DYSTROPHY, LIMB-GIRDLE, AUTOSOMAL DOMINANT 2. Identifiers: Orphanet 55595, MedGen C1842062, MONDO:0012034, OMIM 608423.

Submission:

Labcorp Genetics (formerly Invitae), Labcorp
Classification: Uncertain significance for Autosomal dominant limb-girdle muscular dystrophy type 1F. Last evaluated: 2025-02-08. Review status: criteria provided, single submitter. Criteria: Invitae Variant Classification Sherloc (09022015). Collection method: clinical testing. Allele origin: germline.
Comment: This sequence change affects codon 904 of the TNPO3 mRNA. It is a 'silent' change, meaning that it does not change the encoded amino acid sequence of the TNPO3 protein. It affects a nucleotide within the consensus splice site. This variant is not present in population databases (gnomAD no frequency). This variant has not been reported in the literature in individuals affected with TNPO3-related conditions. Algorithms developed to predict the effect of sequence changes on RNA splicing suggest that this variant is not likely to affect RNA splicing. In summary, the available evidence is currently insufficient to determine the role of this variant in disease. Therefore, it has been classified as a Variant of Uncertain Significance.

NM_012470.4(TNPO3):c.2712T>C (p.Ser904=)

Gene: TNPO3 (transportin 3; minus strand). Cytogenetic location: 7q32.1.
Variant type: single nucleotide variant.
Coding change: c.2712T>C on transcript NM_012470.4 (MANE Select); coding-DNA position 2712, T replaced by C.
Protein change: p.Ser904=; no amino-acid change (serine 904 retained).
Molecular consequence: synonymous variant. On other transcripts: non-coding transcript variant (18), intron variant (2).
Genome position (GRCh38, 1-based): chr7:128,957,315, A>G on the plus strand (T>C on the coding strand, the complement: TNPO3 is on the minus strand). VCF-style: chr7-128957315-A-G. GRCh37 (hg19) VCF-style: chr7-128597369-A-G.
Other names: c.2520T>C, p.Ser840= (NM_001191028.3); c.2814T>C, p.Ser938= (NM_001382216.1); c.2793T>C, p.Ser931= (NM_001382217.1); c.2604T>C, p.Ser868= (NM_001382219.1); c.2571T>C, p.Ser857= (NM_001382220.1); c.2568T>C, p.Ser856= (NM_001382221.1); c.2565T>C, p.Ser855= (NM_001382222.1); c.2520-1930T>C (NM_001382223.1); and 1 more.
Identifiers: ClinVar variation 4708354 (VCV004708354.1).